The following is an entry in ClinVar:

NM_004369.4(COL6A3):c.4252A>G (p.Lys1418Glu)

Gene: COL6A3 (collagen type VI alpha 3 chain; minus strand). Cytogenetic location: 2q37.3.
Variant type: single nucleotide variant.
Coding change: c.4252A>G on transcript NM_004369.4 (MANE Select); coding-DNA position 4252, A replaced by G.
Protein change: p.Lys1418Glu; replaces lysine 1418 with glutamic acid.
Molecular consequence: missense variant.
Genome position (GRCh38, 1-based): chr2:237,371,765, T>C on the plus strand (A>G on the coding strand, the complement: COL6A3 is on the minus strand). VCF-style: chr2-237371765-T-C. GRCh37 (hg19) VCF-style: chr2-238280408-T-C.
Other names: c.3634A>G, p.Lys1212Glu (NM_057167.4, NM_057165.5); c.3031A>G, p.Lys1011Glu (NM_057164.5); c.2431A>G, p.Lys811Glu (NM_057166.5); short protein forms K1418E, K1212E, K811E, K1011E.
Identifiers: ClinVar variation 598568 (VCV000598568.10), dbSNP rs1367588379, ClinGen allele CA351196336.
Genomic context (GRCh38, chr2:237,371,765, plus strand): 5'-GGAGAACCTCCGACGCCCCCATCTCACCTGGAGGTGGATAGCGAGTGCTGGCTAAGAGCT[T>C]CTGGATCTGCTCTGAGGTCAGGGTCGTGATGGGCGTCAGCAGTTTCTGCTCCAGGCTGGG-3'
Protein context (NP_004360.2, residues 1408-1428): ITTLTSEQIQ[Lys1418Glu]LLASTRYPPP

ClinVar aggregate classification (germline): Uncertain significance. Review status: criteria provided, multiple submitters, no conflicts (2 of 4 stars). 3 submissions from 3 submitters: Uncertain significance (3). Last evaluated 2025-10-21.

Conditions:
Bethlem myopathy 1A. Also called: Bethlem Muscular Dystrophy; Bethlem myopathy 1; MYOPATHY, BENIGN CONGENITAL, WITH CONTRACTURES. Identifiers: Orphanet 610, MedGen CN029274, MONDO:0024530, OMIM 158810.

Allele frequency attached by ClinVar (database versions not stated): gnomAD exomes below 0.00001 and 0.00001.
gnomAD v4.1: 19 of 1,610,206 alleles (0.0012%); highest among the groups gnomAD compares: Non-Finnish European, 0.0016%; no homozygotes.

Submissions (3):

Labcorp Genetics (formerly Invitae), Labcorp
Classification: Uncertain significance for Bethlem myopathy 1A. Last evaluated: 2025-10-21. Review status: criteria provided, single submitter. Criteria: Invitae Variant Classification Sherloc (09022015). Collection method: clinical testing. Allele origin: germline.
Comment: This sequence change replaces lysine, which is basic and polar, with glutamic acid, which is acidic and polar, at codon 1418 of the COL6A3 protein (p.Lys1418Glu). This variant is present in population databases (no rsID available, gnomAD 0.0009%). This variant has not been reported in the literature in individuals affected with COL6A3-related conditions. ClinVar contains an entry for this variant (Variation ID: 598568). Invitae Evidence Modeling of protein sequence and biophysical properties (such as structural, functional, and spatial information, amino acid conservation, physicochemical variation, residue mobility, and thermodynamic stability) indicates that this missense variant is not expected to disrupt COL6A3 protein function with a negative predictive value of 95%. In summary, the available evidence is currently insufficient to determine the role of this variant in disease. Therefore, it has been classified as a Variant of Uncertain Significance.

Women's Health and Genetics/Laboratory Corporation of America, LabCorp
Classification: Uncertain significance. Last evaluated: 2024-12-12. Review status: criteria provided, single submitter. Criteria: LabCorp Variant Classification Summary - May 2015. Collection method: clinical testing. Allele origin: germline.
Comment: Variant summary: COL6A3 c.4252A>G (p.Lys1418Glu) results in a conservative amino acid change in the encoded protein sequence. Five of five in-silico tools predict a benign effect of the variant on protein function. The variant allele was found at a frequency of 4e-06 in 250582 control chromosomes. The available data on variant occurrences in the general population are insufficient to allow any conclusion about variant significance. To our knowledge, no occurrence of c.4252A>G in individuals affected with Ullrich congenital muscular dystrophy 1-AR and no experimental evidence demonstrating its impact on protein function have been reported. ClinVar contains an entry for this variant (Variation ID: 598568). Based on the evidence outlined above, the variant was classified as uncertain significance.

Eurofins Ntd Llc (ga)
Classification: Uncertain significance. Last evaluated: 2018-08-30. Review status: criteria provided, single submitter. Criteria: EGL ClinVar v180209 classification definitions. Collection method: clinical testing. Allele origin: germline. Observed: 1 variant allele, 1 heterozygote.